The following is an entry in ClinVar:

ClinVar aggregate classification (germline): Conflicting classifications of pathogenicity. Review status: criteria provided, conflicting classifications (1 of 4 stars). 7 submissions from 7 submitters: Uncertain significance (6); Likely benign (1). Last evaluated 2026-03-05.

Conditions:
Usher syndrome type 2. Also called: Usher Syndrome Type II. Identifiers: Orphanet 231178, MedGen C0339534, MONDO:0016484.
ADGRV1-related disorder. Also called: ADGRV1-related condition; ADGRV1-related disorders.
Hearing impairment. Also called: Impaired Hearing. Identifiers: MedGen C1384666, MONDO:0005365, HP:0000365.

Allele frequency attached by ClinVar (database versions not stated): TOPMed 0.00004; gnomAD 0.00005 and 0.00007; ESP Exome Variant Server 0.00008; ExAC 0.00009; gnomAD exomes 0.00009; 1000 Genomes Project 0.00020; 1000 Genomes Project 30x 0.00031.
gnomAD v4.1: 62 of 1,613,440 alleles (0.0038%); highest among the groups gnomAD compares: Admixed American, 0.03%; no homozygotes.

Submissions (7):

PreventionGenetics, part of Exact Sciences
Classification: Uncertain significance for ADGRV1-related condition. Last evaluated: 2026-03-05. Review status: criteria provided, single submitter. Criteria: ACMG Guidelines, 2015. Collection method: clinical testing. Allele origin: germline.
Comment: The ADGRV1 c.12208G>A variant is predicted to result in the amino acid substitution p.Val4070Ile. This variant has been reported in the heterozygous state in an individual who presented with retinitis pigmentosa; however, a second plausible causative variant was not identified in that individual (Table S2, Bravo-Gil et al. 2017. PubMed ID: 28157192). At this time, the clinical significance of this variant is uncertain due to the absence of conclusive functional and genetic evidence.

Labcorp Genetics (formerly Invitae), Labcorp
Classification: Likely benign. Last evaluated: 2025-04-30. Review status: criteria provided, single submitter. Criteria: Invitae Variant Classification Sherloc (09022015). Collection method: clinical testing. Allele origin: germline.

Blueprint Genetics
Classification: Uncertain significance. Last evaluated: 2024-06-19. Review status: criteria provided, single submitter. Criteria: ACMG Guidelines, 2015. Collection method: clinical testing. Allele origin: germline.

GeneDx
Classification: Uncertain significance. Last evaluated: 2023-01-09. Review status: criteria provided, single submitter. Criteria: GeneDx Variant Classification Process June 2021. Collection method: clinical testing. Allele origin: germline. Affected: yes.
Comment: Reported in the heterozygous state without a second variant in a patient with retinitis pigmentosa in published literature (Bravo-Gil et al., 2017); In silico analysis supports that this missense variant does not alter protein structure/function; This variant is associated with the following publications: (PMID: 28157192)

Department of Otolaryngology – Head & Neck Surgery, Cochlear Implant Center
Classification: Uncertain significance for Hearing impairment. Last evaluated: 2021-04-12. Review status: criteria provided, single submitter. Criteria: ClinGen HL ACMG Specifications v1. Collection method: clinical testing. Allele origin: germline. Affected: yes.
Comment: PM2_Moderate, BP4_Supporting

Department of Pathology and Laboratory Medicine, Sinai Health System
Classification: Uncertain significance for Usher syndrome type 2. Last evaluated: 2020-08-20. Review status: criteria provided, single submitter. Criteria: ACMG Guidelines, 2015. Collection method: research. Allele origin: germline.

Eurofins Ntd Llc (ga)
Classification: Uncertain significance. Last evaluated: 2014-08-05. Review status: criteria provided, single submitter. Criteria: EGL Classification Definitions 2015. Collection method: clinical testing. Allele origin: germline. Observed: 1 variant allele, 1 heterozygote.

Literature cited by the submitters: PubMed 28157192 (cited by Department of Otolaryngology – Head & Neck Surgery, Cochlear Implant Center).

NM_032119.4(ADGRV1):c.12208G>A (p.Val4070Ile)

Gene: ADGRV1 (adhesion G protein-coupled receptor V1; plus strand). Cytogenetic location: 5q14.3.
Variant type: single nucleotide variant.
Coding change: c.12208G>A on transcript NM_032119.4 (MANE Select); coding-DNA position 12208, G replaced by A.
Protein change: p.Val4070Ile; replaces valine 4070 with isoleucine.
Molecular consequence: missense variant. On other transcripts: non-coding transcript variant (1).
Genome position (GRCh38, 1-based): chr5:90,763,392, G>A. VCF-style: chr5-90763392-G-A. GRCh37 (hg19) VCF-style: chr5-90059209-G-A.
Other names: short protein forms V4070I.
Identifiers: ClinVar variation 198024 (VCV000198024.17), dbSNP rs200943280, ClinGen allele CA246506.